The following is an entry in ClinVar:

ClinVar aggregate classification (germline): Uncertain significance (1 of 4 stars; one submission).

Conditions:
Hereditary cancer-predisposing syndrome. Also called: Tumor predisposition; Neoplastic Syndromes, Hereditary; Hereditary neoplastic syndrome; Hereditary Cancer Syndrome. Identifiers: Orphanet 140162, MedGen C0027672, MeSH D009386, MONDO:0015356.

Submission:

Ambry Genetics
Classification: Uncertain significance for Hereditary cancer-predisposing syndrome. Last evaluated: 2025-08-27. Review status: criteria provided, single submitter. Criteria: Ambry Variant Classification Scheme 2023. Collection method: clinical testing. Allele origin: germline.
Comment: The p.Q501P variant (also known as c.1502A>C), located in coding exon 15 of the MUTYH gene, results from an A to C substitution at nucleotide position 1502. The glutamine at codon 501 is replaced by proline, an amino acid with similar properties. This amino acid position is conserved. In addition, this alteration is predicted to be tolerated by in silico analysis. Based on the available evidence, the clinical significance of this variant remains unclear.

NM_001048174.2(MUTYH):c.1418A>C (p.Gln473Pro)

Gene: MUTYH (mutY DNA glycosylase; minus strand). Cytogenetic location: 1p34.1.
Variant type: single nucleotide variant.
Coding change: c.1418A>C on transcript NM_001048174.2 (MANE Select); coding-DNA position 1418, A replaced by C.
Protein change: p.Gln473Pro; replaces glutamine 473 with proline.
Molecular consequence: missense variant. On other transcripts: non-coding transcript variant (7).
Genome position (GRCh38, 1-based): chr1:45,330,532, T>G on the plus strand (A>C on the coding strand, the complement: MUTYH is on the minus strand). VCF-style: chr1-45330532-T-G. GRCh37 (hg19) VCF-style: chr1-45796204-T-G.
Other names: c.1421A>C, p.Gln474Pro (NM_001407071.1, NM_001407078.1, NM_001048172.2 and 1 more transcripts); c.1418A>C, p.Gln473Pro (NM_001407072.1, NM_001407073.1, NM_001407081.1 and 6 more transcripts); c.1334A>C, p.Gln445Pro (NM_001407075.1); c.1451A>C, p.Gln484Pro (NM_001407077.1, NM_001293191.2, NM_001407069.1); c.1379A>C, p.Gln460Pro (NM_001407079.1); c.1376A>C, p.Gln459Pro (NM_001407080.1); c.1073A>C, p.Gln358Pro (NM_001407082.1, NM_001350650.2, NM_001350651.2); c.1502A>C, p.Gln501Pro (NM_001128425.2); and 5 more; short protein forms Q358P, Q460P, Q473P, Q484P, Q480P, Q488P, Q487P, Q501P.
Identifiers: ClinVar variation 4113295 (VCV004113295.1).